The following is an entry in ClinVar:

ClinVar aggregate classification (germline): Pathogenic. Review status: criteria provided, multiple submitters, no conflicts (2 of 4 stars). 4 submissions from 4 submitters: Pathogenic (3). 1 of the submissions does not count toward it. Last evaluated 2025-01-20.

Conditions:
METHEMOGLOBINEMIA, TYPE II. Identifiers: MedGen C2749560, OMIM 250800.
Deficiency of cytochrome-b5 reductase. Also called: NADH-DEPENDENT METHEMOGLOBIN REDUCTASE DEFICIENCY; METHEMOGLOBINEMIA, CONGENITAL, AUTOSOMAL RECESSIVE. Identifiers: Orphanet 621, MedGen C0268193, MONDO:0009606, OMIM 250800.

Allele frequency attached by ClinVar (database versions not stated): gnomAD exomes 0.00002; gnomAD 0.00003 and 0.00004; TOPMed 0.00003; ExAC 0.00004.
gnomAD v4.1: 98 of 1,613,730 alleles (0.0061%); highest among the groups gnomAD compares: Non-Finnish European, 0.0077%; no homozygotes.

Submissions (4):

Labcorp Genetics (formerly Invitae), Labcorp
Classification: Pathogenic. Last evaluated: 2025-01-20. Review status: criteria provided, single submitter. Criteria: Invitae Variant Classification Sherloc (09022015). Collection method: clinical testing. Allele origin: germline.
Comment: This sequence change creates a premature translational stop signal (p.Arg160*) in the CYB5R3 gene. It is expected to result in an absent or disrupted protein product. Loss-of-function variants in CYB5R3 are known to be pathogenic (PMID: 18318771). This variant is present in population databases (rs61732609, gnomAD 0.006%). This premature translational stop signal has been observed in individual(s) with methemoglobinemia type II (PMID: 10874300). ClinVar contains an entry for this variant (Variation ID: 248). Algorithms developed to predict the effect of sequence changes on RNA splicing suggest that this variant may disrupt the consensus splice site. For these reasons, this variant has been classified as Pathogenic.

Revvity Omics, Revvity
Classification: Pathogenic for Deficiency of cytochrome-b5 reductase. Last evaluated: 2023-06-28. Review status: criteria provided, single submitter. Criteria: ACMG Guidelines, 2015. Collection method: clinical testing. Allele origin: germline.

GeneDx
Classification: Pathogenic. Last evaluated: 2023-04-13. Review status: criteria provided, single submitter. Criteria: GeneDx Variant Classification Process June 2021. Collection method: clinical testing. Allele origin: germline. Affected: yes.
Comment: Nonsense variant predicted to result in protein truncation or nonsense mediated decay in a gene for which loss of function is a known mechanism of disease; Published functional studies demonstrate a damaging effect, as variant results in absence of protein due to proteolytic degradation (Davis et al., 2004); This variant is associated with the following publications: (PMID: 23113554, 18318771, 23594618, 29375859, 31898843, 25525159, 15953014, 18202104, 15488472, 10874300)

OMIM
Classification: Pathogenic for METHEMOGLOBINEMIA, TYPE II. Last evaluated: 2000-01-01. Review status: no assertion criteria provided. Collection method: literature only. Allele origin: germline. Not counted in ClinVar's aggregate classification.

Literature cited by the submitters: PubMed 18318771 (cited by Labcorp Genetics (formerly Invitae), Labcorp); PubMed 10874300 (cited by Labcorp Genetics (formerly Invitae), Labcorp and OMIM).

NM_000398.7(CYB5R3):c.478C>T (p.Arg160Ter)

Gene: CYB5R3 (cytochrome b5 reductase 3; minus strand). Cytogenetic location: 22q13.2.
Variant type: single nucleotide variant.
Coding change: c.478C>T on transcript NM_000398.7 (MANE Select); coding-DNA position 478, C replaced by T.
Protein change: p.Arg160Ter; replaces arginine 160 with a stop codon.
Molecular consequence: nonsense.
Genome position (GRCh38, 1-based): chr22:42,627,674, G>A on the plus strand (C>T on the coding strand, the complement: CYB5R3 is on the minus strand). VCF-style: chr22-42627674-G-A. GRCh37 (hg19) VCF-style: chr22-43023680-G-A.
Other names: c.409C>T, p.Arg137Ter (NM_001129819.2, NM_001171661.1, NM_007326.4); c.577C>T, p.Arg193Ter (NM_001171660.2); short protein forms R160*, R193*, R137*.
Identifiers: ClinVar variation 248 (VCV000000248.8), dbSNP rs61732609, ClinGen allele CA114086.